The following is an entry in ClinVar:

NM_000051.4(ATM):c.6975+5G>T

Genes: ATM (ATM serine/threonine kinase; plus strand), C11orf65 (chromosome 11 open reading frame 65; minus strand). Cytogenetic location: 11q22.3.
Variant type: single nucleotide variant.
Coding change: c.6975+5G>T on transcript NM_000051.4 (MANE Select); 5 bases into the intron after coding-DNA position 6975, G replaced by T.
Molecular consequence: intron variant.
Genome position (GRCh38, 1-based): chr11:108,326,230, G>T. VCF-style: chr11-108326230-G-T. GRCh37 (hg19) VCF-style: chr11-108196957-G-T.
Other names: c.6975+5G>T (NM_001351834.2); c.641-17159C>A (NM_001330368.2); c.*38+8990C>A (NM_001351110.2).
Identifiers: ClinVar variation 231619 (VCV000231619.28), dbSNP rs575354684, ClinGen allele CA6266037.

ClinVar aggregate classification (germline): Conflicting classifications of pathogenicity. Review status: criteria provided, conflicting classifications (1 of 4 stars). 10 submissions from 10 submitters: Likely pathogenic (2); Uncertain significance (8). Last evaluated 2026-01-21.

Conditions:
Hereditary cancer-predisposing syndrome. Also called: Neoplastic Syndromes, Hereditary; Hereditary neoplastic syndrome; Tumor predisposition; Hereditary Cancer Syndrome. Identifiers: Orphanet 140162, MedGen C0027672, MeSH D009386, MONDO:0015356.
Ataxia-telangiectasia syndrome (AT). Also called: Ataxia telangiectasia (A-T); Cerebello-oculocutaneous telangiectasia; Immunodeficiency with ataxia telangiectasia; LOUIS-BAR SYNDROME; AT, COMPLEMENTATION GROUP C; ATAXIA-TELANGIECTASIA, FRESNO VARIANT. Identifiers: Orphanet 100, MedGen C0004135, MONDO:0008840, OMIM 208900.
Familial cancer of breast. Also called: hereditary breast carcinoma; Hereditary breast cancer; BREAST CANCER, FAMILIAL. Identifiers: Orphanet 227535, MedGen C0346153, MONDO:0016419, OMIM 114480. Disease mechanism: loss of function.

Allele frequency attached by ClinVar (database versions not stated): gnomAD exomes 0.00001 and below 0.00001; gnomAD 0.00001; TOPMed 0.00001; ExAC 0.00001.
gnomAD v4.1: 21 of 1,610,636 alleles (0.0013%); highest among the groups gnomAD compares: Non-Finnish European, 0.0016%; no homozygotes.

Submissions (10):

Labcorp Genetics (formerly Invitae), Labcorp
Classification: Likely pathogenic for Ataxia-telangiectasia syndrome. Last evaluated: 2026-01-21. Review status: criteria provided, single submitter. Criteria: Invitae Variant Classification Sherloc (09022015). Collection method: clinical testing. Allele origin: germline.
Comment: This sequence change falls in intron 47 of the ATM gene. It does not directly change the encoded amino acid sequence of the ATM protein. RNA analysis indicates that this variant induces altered splicing and may result in an absent or altered protein product. This variant is not present in population databases (gnomAD no frequency). This variant has not been reported in the literature in individuals affected with ATM-related conditions. ClinVar contains an entry for this variant (Variation ID: 231619). Variants that disrupt the consensus splice site are a relatively common cause of aberrant splicing (PMID: 17576681, 9536098). Studies have shown that this variant results in retention of intron 47, and produces a non-functional protein and/or introduces a premature termination codon (internal data). In summary, the currently available evidence indicates that the variant is pathogenic, but additional data are needed to prove that conclusively. Therefore, this variant has been classified as Likely Pathogenic.

Ambry Genetics
Classification: Uncertain significance for Hereditary cancer-predisposing syndrome. Last evaluated: 2025-08-04. Review status: criteria provided, single submitter. Criteria: Ambry Variant Classification Scheme 2023. Collection method: clinical testing. Allele origin: germline.
Comment: The c.6975+5G>T intronic variant results from a G to T substitution 5 nucleotides after coding exon 46 in the ATM gene. This nucleotide position is not well conserved in available vertebrate species. In silico splice site analysis predicts that this alteration will weaken the native splice donor site; however direct evidence is insufficient at this time (Ambry internal data). Based on the available evidence, the clinical significance of this variant remains unclear.

Women's Health and Genetics/Laboratory Corporation of America, LabCorp
Classification: Likely pathogenic for Ataxia-telangiectasia syndrome. Last evaluated: 2024-12-19. Review status: criteria provided, single submitter. Criteria: LabCorp Variant Classification Summary - May 2015. Collection method: clinical testing. Allele origin: germline.
Comment: Variant summary: ATM c.6975+5G>T alters a non-conserved nucleotide located close to a canonical splice site and therefore could affect mRNA splicing, leading to a significantly altered protein sequence. Consensus agreement among computation tools predict no significant impact on normal splicing. Internal RNA evidence shows that this variant affects mRNA splicing, causing retention of intron 47 sequence(s) and introducting novel stop codons (Labcorp, formerly Invitae). The variant allele was found at a frequency of 4e-06 in 248368 control chromosomes. To our knowledge, no occurrence of c.6975+5G>T in individuals affected with Ataxia-Telangiectasia has been reported. ClinVar contains an entry for this variant (Variation ID: 231619). Based on the evidence outlined above, the variant was classified as likely pathogenic.

Mayo Clinic Laboratories, Mayo Clinic
Classification: Uncertain significance. Last evaluated: 2024-02-14. Review status: criteria provided, single submitter. Criteria: ACMG Guidelines, 2015. Collection method: clinical testing. Allele origin: germline. Observed: 1 variant allele.
Comment: PP3, PM2_moderate, PS1_supporting

GeneDx
Classification: Uncertain significance. Last evaluated: 2023-09-24. Review status: criteria provided, single submitter. Criteria: GeneDx Variant Classification Process June 2021. Collection method: clinical testing. Allele origin: germline. Affected: yes.
Comment: Not observed at a significant frequency in large population cohorts (gnomAD); In silico analysis supports a deleterious effect on splicing; Has not been previously published as pathogenic or benign to our knowledge; This variant is associated with the following publications: (PMID: 23532176)

Baylor Genetics
Classification: Uncertain significance for Familial cancer of breast. Last evaluated: 2023-09-12. Review status: criteria provided, single submitter. Criteria: ACMG Guidelines, 2015. Collection method: clinical testing. Allele origin: unknown.

Blueprint Genetics
Classification: Uncertain significance. Last evaluated: 2022-08-15. Review status: criteria provided, single submitter. Criteria: ACMG Guidelines, 2015. Collection method: clinical testing. Allele origin: germline.

Athena Diagnostics
Classification: Uncertain significance. Last evaluated: 2022-02-18. Review status: criteria provided, single submitter. Criteria: Athena Diagnostics Criteria. Collection method: clinical testing. Allele origin: unknown.

Color Diagnostics, LLC DBA Color Health
Classification: Uncertain significance for Hereditary cancer-predisposing syndrome. Last evaluated: 2022-02-01. Review status: criteria provided, single submitter. Criteria: ACMG Guidelines, 2015. Collection method: clinical testing. Allele origin: germline.
Comment: This variant causes a G>T nucleotide substitution at the +5 position of intron 47 of the ATM gene. Computational splicing tools predict that this variant may have a significant impact on RNA splicing. To our knowledge, functional assays have not been performed for this variant nor has this variant been reported in individuals affected with hereditary cancer in the literature. This variant has been identified in 1/248368 chromosomes in the general population by the Genome Aggregation Database (gnomAD). Available evidence is insufficient to determine the role of this variant in disease conclusively. Therefore, this variant is classified as a Variant of Uncertain Significance.

Sema4
Classification: Uncertain significance for Hereditary cancer-predisposing syndrome. Last evaluated: 2021-06-25. Review status: criteria provided, single submitter. Criteria: Sema4 Curation Guidelines. Collection method: curation. Allele origin: germline.
Comment: The ATM c.6975+5G>T variant has not been reported in the literature to our knowledge. It was observed in 1/112714 chromosomes of the Non-Finnish European subpopulation in the large and broad cohorts of the Genome Aggregation Database (PMID: 32461654). This variant has been reported in ClinVar (Variation ID: 231619). In silico tools suggest that the variant does not impact splicing, though these predictions have not been confirmed by functional studies. The evidence is insufficient to meet ACMG/AMP criteria for classifying the variant as benign or pathogenic. Thus, the clinical significance of this variant is currently uncertain.

Literature cited by the submitters: PubMed 17576681 (cited by Labcorp Genetics (formerly Invitae), Labcorp); PubMed 9536098 (cited by Labcorp Genetics (formerly Invitae), Labcorp).